The following is an entry in ClinVar:

ClinVar aggregate classification (germline): Uncertain significance (1 of 4 stars; one submission).

Submission:

Dasa
Classification: Uncertain significance. Last evaluated: 2025-07-29. Review status: criteria provided, single submitter. Criteria: DASA Assertion Criteria. Collection method: clinical testing. Allele origin: germline.
Comment: NM_004168.4(SDHA):c.1947G>C (p.Leu649Phe) is a missense variant that results in the substitution of leucine with phenylalanine. This variant is rare in population databases. The currently available literature and clinical evidence are not sufficient to establish a definitive association between this variant and the reported condition. Therefore, this variant is classified as a variant of uncertain significance.

NM_004168.4(SDHA):c.1947G>C (p.Leu649Phe)

Gene: SDHA (succinate dehydrogenase complex flavoprotein subunit A; plus strand). Cytogenetic location: 5p15.33.
Variant type: single nucleotide variant.
Coding change: c.1947G>C on transcript NM_004168.4 (MANE Select); coding-DNA position 1947, G replaced by C.
Protein change: p.Leu649Phe; replaces leucine 649 with phenylalanine.
Molecular consequence: missense variant.
Genome position (GRCh38, 1-based): chr5:256,372, G>C. VCF-style: chr5-256372-G-C. GRCh37 (hg19) VCF-style: chr5-256487-G-C.
Other names: c.1803G>C, p.Leu601Phe (NM_001294332.2); c.1704G>C, p.Leu568Phe (NM_001330758.2); short protein forms L568F, L601F, L649F.
Identifiers: ClinVar variation 4880838 (VCV004880838.2).
Genomic context (GRCh38, chr5:256,372, plus strand): 5'-ACCACTGACTCTTCTTTTCAAGGTCACTCTGGAATATAGACCCGTGATCGACAAAACTTT[G>C]AACGAGGCTGACTGTGCCACCGTCCCGCCAGCCATTCGCTCCTACTGATGAGACAAGATG-3'
Protein context (NP_004159.2, residues 639-659): LEYRPVIDKT[Leu649Phe]NEADCATVPP